The following is an entry in ClinVar:

ClinVar aggregate classification (germline): Pathogenic (1 of 4 stars; one submission).

Conditions:
Mucopolysaccharidosis type 1. Also called: IDUA deficiency; MPS I; Mucopolysaccharidosis Type I. Identifiers: Orphanet 579, MedGen C0023786, MONDO:0001586.

Submission:

Natera, Inc.
Classification: Pathogenic for Mucopolysaccharidosis type I. Last evaluated: 2025-08-05. Review status: criteria provided, single submitter. Criteria: Natera Variant Classification Schema (03/2026). Collection method: clinical testing. Allele origin: germline.
Comment: The c.506_513delinsGGAA variant in IDUA is a frameshift variant predicted to shift the reading frame beginning at codon 169 and leads to a stop codon 24 codons downstream. This variant is expected to result in nonsense mediated decay, truncation, or a dysfunctional protein product. This variant is rare in the general population with a frequency below the threshold expected for the associated phenotype(s). This variant has been observed in one or more individuals affected with the associated recessive disease, as either homozygous or compound heterozygous with a second variant (PMID: 28752568). Given the available evidence, this variant is classified as Pathogenic.

Literature cited by the submitters: PubMed 28752568.

NM_000203.5(IDUA):c.506_513delinsGGAA (p.Leu169fs)

Gene: IDUA (alpha-L-iduronidase; plus strand). Cytogenetic location: 4p16.3.
Variant type: Indel.
Coding change: c.506_513delinsGGAA on transcript NM_000203.5 (MANE Select); coding-DNA positions 506 to 513, TGGCGCAT replaced by GGAA.
Protein change: p.Leu169fs; shifts the reading frame from leucine 169.
Molecular consequence: frameshift variant. On other transcripts: non-coding transcript variant (1).
Genome position (GRCh38, 1-based): chr4:1,001,480-1,001,487, TGGCGCAT replaced by GGAA. VCF-style: chr4-1001480-TGGCGCAT-GGAA. GRCh37 (hg19) VCF-style: chr4-995268-TGGCGCAT-GGAA.
Other names: c.110_117delinsGGAA, p.Leu37fs (NM_001363576.1); short protein forms L169fs, L37fs.
Identifiers: ClinVar variation 4817931 (VCV004817931.1).